The following is an entry in ClinVar:

NM_003392.7(WNT5A):c.206G>A (p.Cys69Tyr)

Gene: WNT5A (Wnt family member 5A; minus strand). Cytogenetic location: 3p14.3.
Variant type: single nucleotide variant.
Coding change: c.206G>A on transcript NM_003392.7 (MANE Select); coding-DNA position 206, G replaced by A.
Protein change: p.Cys69Tyr; replaces cysteine 69 with tyrosine.
Molecular consequence: missense variant.
Genome position (GRCh38, 1-based): chr3:55,479,499, C>T on the plus strand (G>A on the coding strand, the complement: WNT5A is on the minus strand). VCF-style: chr3-55479499-C-T. GRCh37 (hg19) VCF-style: chr3-55513527-C-T.
Other names: c.161G>A, p.Cys54Tyr (NM_001256105.1, NM_001377271.1, NM_001377272.1); short protein forms C69Y, C54Y.
Identifiers: ClinVar variation 162613 (VCV000162613.5), dbSNP rs786204837, ClinGen allele CA346840.

ClinVar aggregate classification (germline): Uncertain significance. Review status: criteria provided, single submitter (1 of 4 stars). 3 submissions from 3 submitters: Uncertain significance (1). 2 of the submissions do not count toward it. Last evaluated 2017-09-01.

Conditions:
Autosomal dominant Robinow syndrome 1. Also called: WNT5A-Related Robinow Syndrome, Autosomal Dominant; ACRAL DYSOSTOSIS WITH FACIAL AND GENITAL ABNORMALITIES; Covesdem syndrome (formerly); Costovertebral segmentation defect with mesomelia (formerly); FETAL FACE SYNDROME; ROBINOW DWARFISM. Identifiers: Orphanet 3107, Orphanet 97360, MedGen C4551475, MONDO:0024455, OMIM 180700.

Submissions (3):

Baylor Genetics
Classification: Uncertain significance for Autosomal dominant Robinow syndrome 1. Last evaluated: 2017-09-01. Review status: criteria provided, single submitter. Criteria: ACMG Guidelines, 2015. Collection method: clinical testing. Allele origin: de novo. Inheritance: Autosomal dominant inheritance. Affected: yes.

OMIM
Classification: Pathogenic for ROBINOW SYNDROME, AUTOSOMAL DOMINANT 1. Last evaluated: 2015-01-01. Review status: no assertion criteria provided. Collection method: literature only. Allele origin: germline. Not counted in ClinVar's aggregate classification.

GeneReviews
No classification provided. Condition: Autosomal dominant Robinow syndrome 1. Review status: no classification provided. Collection method: literature only. Allele origin: germline. Affected: yes. Not counted in ClinVar's aggregate classification.

Literature cited by the submitters: PubMed 24716670 (cited by 3 submitters); PubMed 25326635 (cited by Baylor Genetics); NCBI Bookshelf NBK268648 (cited by GeneReviews).